The following is an entry in ClinVar:

NM_000169.3(GLA):c.139T>G (p.Trp47Gly)

Genes: GLA (galactosidase alpha; minus strand), RPL36A-HNRNPH2 (RPL36A-HNRNPH2 readthrough; plus strand). Cytogenetic location: Xq22.1.
Variant type: single nucleotide variant.
Coding change: c.139T>G on transcript NM_000169.3 (MANE Select); coding-DNA position 139, T replaced by G.
Protein change: p.Trp47Gly; replaces tryptophan 47 with glycine.
Molecular consequence: missense variant. On other transcripts: non-coding transcript variant (3), intron variant (2).
Genome position (GRCh38, 1-based): chrX:101,407,765, A>C on the plus strand (T>G on the coding strand, the complement: GLA is on the minus strand). VCF-style: chrX-101407765-A-C. GRCh37 (hg19) VCF-style: chrX-100662753-A-C.
Other names: c.139T>G, p.Trp47Gly (NM_001406747.1, NM_001406748.1, NM_001406749.1); c.301-4171A>C (NM_001199973.2); c.178-4171A>C (NM_001199974.2); short protein forms W47G.
Identifiers: ClinVar variation 4087678 (VCV004087678.2).

ClinVar aggregate classification (germline): Pathogenic (1 of 4 stars; one submission).

Conditions:
Fabry disease. Also called: ALPHA-GALACTOSIDASE A DEFICIENCY; ANDERSON-FABRY DISEASE; CERAMIDE TRIHEXOSIDASE DEFICIENCY; GLA DEFICIENCY; HEREDITARY DYSTOPIC LIPIDOSIS; Angiokeratoma corporis diffusum. Identifiers: Orphanet 324, MedGen C0002986, MONDO:0010526, OMIM 301500, HP:0001071. Disease mechanism: Fabry disease is due to inactivating mutations in the X-linked GLA gene resulting in deficiency of the enzyme Alpha Galactosidase-A., loss of function.

Submission:

Genomenon, Inc
Classification: Pathogenic for Fabry disease. Last evaluated: 2026-09-08. Review status: criteria provided, single submitter. Criteria: Genomenon Sequence Variant Interpretation Standards - Updated. Collection method: curation. Allele origin: germline. Affected: yes.
Comment: GLA p.Trp47Gly (c.139T>G) is a missense variant that changes the amino acid at codon 47 from Tryptophan to Glycine. This variant has been observed in at least one proband with clinical features consistent with Fabry disease (PMID:36165155;20022777;11668641). At least one functional study has demonstrated a substantial alteration in protein function relative to the wild-type (PMID:27657681). This variant is located in a mutational hotspot and/or important functional domain. It is absent or not present at a significant frequency in gnomAD. In silico models predict that this variant is possibly or probably damaging. In conclusion, we classify GLA p.Trp47Gly (c.139T>G) as a pathogenic variant.

Literature cited by the submitters: PubMed 36165155; PubMed 20022777; PubMed 11668641; PubMed 27657681.